The following is an entry in ClinVar:

NM_207352.4(CYP4V2):c.1557G>C (p.Arg519Ser)

Gene: CYP4V2 (cytochrome P450 family 4 subfamily V member 2; plus strand). Cytogenetic location: 4q35.2.
Variant type: single nucleotide variant.
Coding change: c.1557G>C on transcript NM_207352.4 (MANE Select); coding-DNA position 1557, G replaced by C.
Protein change: p.Arg519Ser; replaces arginine 519 with serine.
Molecular consequence: missense variant.
Genome position (GRCh38, 1-based): chr4:186,210,620, G>C. VCF-style: chr4-186210620-G-C. GRCh37 (hg19) VCF-style: chr4-187131774-G-C.
Other names: short protein forms R519S.
Identifiers: ClinVar variation 1487320 (VCV001487320.6), dbSNP rs200291603, ClinGen allele CA358951372.

ClinVar aggregate classification (germline): Uncertain significance (1 of 4 stars; one submission).

gnomAD v4.1: 1 of 1,614,096 alleles (0.000062%); highest among the groups gnomAD compares: Admixed American, 0.0017%; no homozygotes.

Submission:

Labcorp Genetics (formerly Invitae), Labcorp
Classification: Uncertain significance. Last evaluated: 2021-11-06. Review status: criteria provided, single submitter. Criteria: Invitae Variant Classification Sherloc (09022015). Collection method: clinical testing. Allele origin: germline.
Comment: In summary, the available evidence is currently insufficient to determine the role of this variant in disease. Therefore, it has been classified as a Variant of Uncertain Significance. This variant has not been reported in the literature in individuals affected with CYP4V2-related conditions. Advanced modeling of protein sequence and biophysical properties (such as structural, functional, and spatial information, amino acid conservation, physicochemical variation, residue mobility, and thermodynamic stability) performed at Invitae indicates that this missense variant is not expected to disrupt CYP4V2 protein function. This sequence change replaces arginine, which is basic and polar, with serine, which is neutral and polar, at codon 519 of the CYP4V2 protein (p.Arg519Ser). This variant is not present in population databases (gnomAD no frequency).